The following is an entry in ClinVar:

ClinVar aggregate classification (germline): Likely benign. Review status: criteria provided, multiple submitters, no conflicts (2 of 4 stars). 4 submissions from 4 submitters: Likely benign (3). 1 of the submissions does not count toward it. Last evaluated 2026-01-05.

Conditions:
KCNJ5-related disorder. Also called: KCNJ5-related condition.
Cardiovascular phenotype. Identifiers: MedGen CN230736.
Long QT syndrome (LQTS). Identifiers: MedGen C0023976, MeSH D008133, MONDO:0002442. Disease mechanism: loss of function. Inheritance: Various modes of inheritance.

Allele frequency attached by ClinVar (database versions not stated): ESP Exome Variant Server 0.00008; gnomAD 0.00015 and 0.00016; ExAC 0.00018; TOPMed 0.00020; gnomAD exomes 0.00022 and 0.00023.

Submissions (4):

Labcorp Genetics (formerly Invitae), Labcorp
Classification: Likely benign for Long QT syndrome. Last evaluated: 2026-01-05. Review status: criteria provided, single submitter. Criteria: Invitae Variant Classification Sherloc (09022015). Collection method: clinical testing. Allele origin: germline.

Ambry Genetics
Classification: Likely benign for Cardiovascular phenotype. Last evaluated: 2022-04-27. Review status: criteria provided, single submitter. Criteria: Ambry Variant Classification Scheme 2023. Collection method: clinical testing. Allele origin: germline.

GeneDx
Classification: Likely benign. Last evaluated: 2019-10-21. Review status: criteria provided, single submitter. Criteria: GeneDx Variant Classification Process June 2021. Collection method: clinical testing. Allele origin: germline. Affected: yes.
Comment: This variant is associated with the following publications: (PMID: 21311022)

PreventionGenetics, part of Exact Sciences
Classification: Likely benign for KCNJ5-related condition. Last evaluated: 2023-08-08. Review status: no assertion criteria provided. Collection method: clinical testing. Allele origin: germline. Not counted in ClinVar's aggregate classification.
Comment: This variant is classified as likely benign based on ACMG/AMP sequence variant interpretation guidelines (Richards et al. 2015 PMID: 25741868, with internal and published modifications).

Literature cited by the submitters: PubMed 21311022 (cited by Ambry Genetics); PubMed 22645387 (cited by Ambry Genetics).

NM_000890.5(KCNJ5):c.630G>A (p.Met210Ile)

Gene: KCNJ5 (potassium inwardly rectifying channel subfamily J member 5; plus strand). Cytogenetic location: 11q24.3.
Variant type: single nucleotide variant.
Coding change: c.630G>A on transcript NM_000890.5 (MANE Select); coding-DNA position 630, G replaced by A.
Protein change: p.Met210Ile; replaces methionine 210 with isoleucine.
Molecular consequence: missense variant.
Genome position (GRCh38, 1-based): chr11:128,911,903, G>A. VCF-style: chr11-128911903-G-A. GRCh37 (hg19) VCF-style: chr11-128781798-G-A.
Other names: c.630G>A (LRG_333t1); c.630G>A, p.Met210Ile (NM_001354169.2); short protein forms M210I.
Identifiers: ClinVar variation 404092 (VCV000404092.16), dbSNP rs138295501, ClinGen allele CA6357904.